The following is an entry in ClinVar:

NM_000245.4(MET):c.278C>G (p.Pro93Arg)

Gene: MET (MET proto-oncogene, receptor tyrosine kinase; plus strand). Cytogenetic location: 7q31.2.
Variant type: single nucleotide variant.
Coding change: c.278C>G on transcript NM_000245.4 (MANE Select); coding-DNA position 278, C replaced by G.
Protein change: p.Pro93Arg; replaces proline 93 with arginine.
Molecular consequence: missense variant. On other transcripts: intron variant (1).
Genome position (GRCh38, 1-based): chr7:116,699,362, C>G. VCF-style: chr7-116699362-C-G. GRCh37 (hg19) VCF-style: chr7-116339416-C-G.
Other names: c.278C>G, p.Pro93Arg (NM_001127500.3, NM_001324401.3); c.-91+26785C>G (NM_001324402.2); short protein forms P93R.
Identifiers: ClinVar variation 571424 (VCV000571424.15), dbSNP rs1306740707, ClinGen allele CA368968722.
Genomic context (GRCh38, chr7:116,699,362, plus strand): 5'-TAAATGAGGAAGACCTTCAGAAGGTTGCTGAGTACAAGACTGGGCCTGTGCTGGAACACC[C>G]AGATTGTTTCCCATGTCAGGACTGCAGCAGCAAAGCCAATTTATCAGGAGGTGTTTGGAA-3'
Protein context (NP_000236.2, residues 83-103): EYKTGPVLEH[Pro93Arg]DCFPCQDCSS

ClinVar aggregate classification (germline): Uncertain significance. Review status: criteria provided, multiple submitters, no conflicts (2 of 4 stars). 4 submissions from 4 submitters: Uncertain significance (4). Last evaluated 2026-05-14.

Conditions:
Renal cell carcinoma. Identifiers: Orphanet 217071, MedGen C0007134, MeSH D002292, MONDO:0005086, HP:0005584.
Hereditary cancer-predisposing syndrome. Also called: Tumor predisposition; Hereditary Cancer Syndrome; Neoplastic Syndromes, Hereditary; Hereditary neoplastic syndrome. Identifiers: Orphanet 140162, MedGen C0027672, MeSH D009386, MONDO:0015356.
Autosomal recessive nonsyndromic hearing loss 97. Also called: Deafness, autosomal recessive 97. Identifiers: Orphanet 90636, MedGen C4084709, MONDO:0014739, OMIM 616705.

Allele frequency attached by ClinVar (database versions not stated): gnomAD exomes below 0.00001; TOPMed 0.00002.
gnomAD v4.1: 1 of 1,614,028 alleles (0.000062%); highest among the groups gnomAD compares: Admixed American, 0.0017%; no homozygotes.

Submissions (4):

Women's Health and Genetics/Laboratory Corporation of America, LabCorp
Classification: Uncertain significance. Last evaluated: 2026-05-14. Review status: criteria provided, single submitter. Criteria: LabCorp Variant Classification Summary - May 2015. Collection method: clinical testing. Allele origin: germline.
Comment: Variant summary: MET c.278C>G (p.Pro93Arg) results in a non-conservative amino acid change in the encoded protein sequence. Algorithms developed to predict the effect of missense changes on protein structure and function are either unavailable or do not agree on the potential impact of this missense change. The variant allele was found at a frequency of 4e-06 in 249208 control chromosomes. The available data on variant occurrences in the general population are insufficient to allow any conclusion about variant significance. To our knowledge, no occurrence of c.278C>G in individuals affected with MET-related conditions and no experimental evidence demonstrating its impact on protein function have been reported. ClinVar contains an entry for this variant (Variation ID: 571424). Based on the evidence outlined above, the variant was classified as uncertain significance.

Baylor Genetics
Classification: Uncertain significance for Autosomal recessive nonsyndromic hearing loss 97. Last evaluated: 2024-03-08. Review status: criteria provided, single submitter. Criteria: ACMG Guidelines, 2015. Collection method: clinical testing. Allele origin: unknown.

Ambry Genetics
Classification: Uncertain significance for Hereditary cancer-predisposing syndrome. Last evaluated: 2024-02-13. Review status: criteria provided, single submitter. Criteria: Ambry Variant Classification Scheme 2023. Collection method: clinical testing. Allele origin: germline.
Comment: The p.P93R variant (also known as c.278C>G), located in coding exon 1 of the MET gene, results from a C to G substitution at nucleotide position 278. The proline at codon 93 is replaced by arginine, an amino acid with dissimilar properties. This amino acid position is well conserved in available vertebrate species. In addition, this alteration is predicted to be tolerated by in silico analysis. Since supporting evidence is limited at this time, the clinical significance of this alteration remains unclear.

Labcorp Genetics (formerly Invitae), Labcorp
Classification: Uncertain significance for Renal cell carcinoma. Last evaluated: 2023-04-12. Review status: criteria provided, single submitter. Criteria: Invitae Variant Classification Sherloc (09022015). Collection method: clinical testing. Allele origin: germline.
Comment: This variant is present in population databases (no rsID available, gnomAD 0.003%). In summary, the available evidence is currently insufficient to determine the role of this variant in disease. Therefore, it has been classified as a Variant of Uncertain Significance. Advanced modeling of protein sequence and biophysical properties (such as structural, functional, and spatial information, amino acid conservation, physicochemical variation, residue mobility, and thermodynamic stability) performed at Invitae indicates that this missense variant is not expected to disrupt MET protein function. ClinVar contains an entry for this variant (Variation ID: 571424). This variant has not been reported in the literature in individuals affected with MET-related conditions. This sequence change replaces proline, which is neutral and non-polar, with arginine, which is basic and polar, at codon 93 of the MET protein (p.Pro93Arg).